The following is an entry in ClinVar:

NM_001365480.1(CCDC88A):c.2696T>C (p.Ile899Thr)

Gene: CCDC88A (coiled-coil domain containing 88A; minus strand). Cytogenetic location: 2p16.1.
Variant type: single nucleotide variant.
Coding change: c.2696T>C on transcript NM_001365480.1 (MANE Select); coding-DNA position 2696, T replaced by C.
Protein change: p.Ile899Thr; replaces isoleucine 899 with threonine.
Molecular consequence: missense variant.
Genome position (GRCh38, 1-based): chr2:55,334,125, A>G on the plus strand (T>C on the coding strand, the complement: CCDC88A is on the minus strand). VCF-style: chr2-55334125-A-G. GRCh37 (hg19) VCF-style: chr2-55561261-A-G.
Other names: c.2696T>C, p.Ile899Thr (NM_001135597.2, NM_001254943.2, NM_018084.5); short protein forms I899T.
Identifiers: ClinVar variation 1951149 (VCV001951149.4), dbSNP rs1685232609, ClinGen allele CA346897412.

ClinVar aggregate classification (germline): Uncertain significance (1 of 4 stars; one submission).

Allele frequency attached by ClinVar (database versions not stated): gnomAD exomes below 0.00001; TOPMed below 0.00001; gnomAD 0.00001.
gnomAD v4.1: 6 of 1,325,682 alleles (0.00045%); highest among the groups gnomAD compares: East Asian, 0.0028%; no homozygotes.

Submission:

Labcorp Genetics (formerly Invitae), Labcorp
Classification: Uncertain significance. Last evaluated: 2025-01-06. Review status: criteria provided, single submitter. Criteria: Invitae Variant Classification Sherloc (09022015). Collection method: clinical testing. Allele origin: germline.
Comment: This sequence change replaces isoleucine, which is neutral and non-polar, with threonine, which is neutral and polar, at codon 899 of the CCDC88A protein (p.Ile899Thr). This variant is not present in population databases (gnomAD no frequency). This variant has not been reported in the literature in individuals affected with CCDC88A-related conditions. ClinVar contains an entry for this variant (Variation ID: 1951149). An algorithm developed to predict the effect of missense changes on protein structure and function (PolyPhen-2) suggests that this variant is likely to be disruptive. In summary, the available evidence is currently insufficient to determine the role of this variant in disease. Therefore, it has been classified as a Variant of Uncertain Significance.